The following is an entry in ClinVar:

NM_014423.4(AFF4):c.3358C>G (p.Gln1120Glu)

Gene: AFF4 (ALF transcription elongation factor 4; minus strand). Cytogenetic location: 5q31.1.
Variant type: single nucleotide variant.
Coding change: c.3358C>G on transcript NM_014423.4 (MANE Select); coding-DNA position 3358, C replaced by G.
Protein change: p.Gln1120Glu; replaces glutamine 1120 with glutamic acid.
Molecular consequence: missense variant.
Genome position (GRCh38, 1-based): chr5:132,883,346, G>C on the plus strand (C>G on the coding strand, the complement: AFF4 is on the minus strand). VCF-style: chr5-132883346-G-C. GRCh37 (hg19) VCF-style: chr5-132219038-G-C.
Other names: c.3358C>G (NM_014423.3); short protein forms Q1120E.
Identifiers: ClinVar variation 3008224 (VCV003008224.5), dbSNP rs374222042, ClinGen allele CA127300232.

ClinVar aggregate classification (germline): Uncertain significance. Review status: criteria provided, multiple submitters, no conflicts (2 of 4 stars). 3 submissions from 3 submitters: Uncertain significance (2). 1 of the submissions does not count toward it. Last evaluated 2025-12-09.

Conditions:
Inborn genetic diseases. Identifiers: MedGen C0950123, MeSH D030342.
AFF4-related disorder. Also called: AFF4-related condition.
Cognitive impairment - coarse facies - heart defects - obesity - pulmonary involvement - short stature - skeletal dysplasia syndrome. Also called: COGNITIVE IMPAIRMENT, COARSE FACIES, HEART DEFECTS, OBESITY, PULMONARY INVOLVEMENT, SHORT STATURE, AND SKELETAL DYSPLASIA; Chops syndrome; AFF4-Related CHOPS Syndrome. Identifiers: Orphanet 444077, MedGen C4085597, MONDO:0014609, OMIM 616368.

Allele frequency attached by ClinVar (database versions not stated): gnomAD exomes below 0.00001; ESP Exome Variant Server 0.00008.
gnomAD v4.1: 5 of 1,612,130 alleles (0.00031%); highest among the groups gnomAD compares: Non-Finnish European, 0.00034%; no homozygotes.

Submissions (3):

Ambry Genetics
Classification: Uncertain significance for Inborn genetic diseases. Last evaluated: 2025-12-09. Review status: criteria provided, single submitter. Criteria: Ambry Variant Classification Scheme 2023. Collection method: clinical testing. Allele origin: germline.

Labcorp Genetics (formerly Invitae), Labcorp
Classification: Uncertain significance for Cognitive impairment - coarse facies - heart defects - obesity - pulmonary involvement - short stature - skeletal dysplasia syndrome. Last evaluated: 2025-04-21. Review status: criteria provided, single submitter. Criteria: Invitae Variant Classification Sherloc (09022015). Collection method: clinical testing. Allele origin: germline.
Comment: This sequence change replaces glutamine, which is neutral and polar, with glutamic acid, which is acidic and polar, at codon 1120 of the AFF4 protein (p.Gln1120Glu). This variant is not present in population databases (gnomAD no frequency). This variant has not been reported in the literature in individuals affected with AFF4-related conditions. ClinVar contains an entry for this variant (Variation ID: 3008224). Invitae Evidence Modeling of protein sequence and biophysical properties (such as structural, functional, and spatial information, amino acid conservation, physicochemical variation, residue mobility, and thermodynamic stability) indicates that this missense variant is expected to disrupt AFF4 protein function with a positive predictive value of 80%. In summary, the available evidence is currently insufficient to determine the role of this variant in disease. Therefore, it has been classified as a Variant of Uncertain Significance.

PreventionGenetics, part of Exact Sciences
Classification: Uncertain significance for AFF4-related condition. Last evaluated: 2024-05-29. Review status: no assertion criteria provided. Collection method: clinical testing. Allele origin: germline. Not counted in ClinVar's aggregate classification.
Comment: The AFF4 c.3358C>G variant is predicted to result in the amino acid substitution p.Gln1120Glu. To our knowledge, this variant has not been reported in the literature or in a large population database, indicating this variant is rare. At this time, the clinical significance of this variant is uncertain due to the absence of conclusive functional and genetic evidence.